The following is an entry in ClinVar:

ClinVar aggregate classification (germline): Likely benign. Review status: criteria provided, multiple submitters, no conflicts (2 of 4 stars). 2 submissions from 2 submitters: Likely benign (2). Last evaluated 2020-03-06.

Conditions:
Early-infantile DEE. Also called: Early infantile epileptic encephalopathy with suppression bursts; Ohtahara syndrome; Early infantile epileptic encephalopathy. Identifiers: Orphanet 1934, MedGen C0393706, MONDO:0800491.

Allele frequency attached by ClinVar (database versions not stated): gnomAD exomes below 0.00001 and 0.00001; gnomAD 0.00001; TOPMed 0.00001.
gnomAD v4.1: 5 of 1,605,290 alleles (0.00031%); highest among the groups gnomAD compares: East Asian, 0.0022%; no homozygotes.

Submissions (2):

Labcorp Genetics (formerly Invitae), Labcorp
Classification: Likely benign for Early-infantile DEE. Last evaluated: 2020-03-06. Review status: criteria provided, single submitter. Criteria: Invitae Variant Classification Sherloc (09022015). Collection method: clinical testing. Allele origin: germline.

GeneDx
Classification: Likely benign. Last evaluated: 2016-05-03. Review status: criteria provided, single submitter. Criteria: GeneDx Variant Classification (06012015). Collection method: clinical testing. Allele origin: germline. Affected: yes.
Comment: This variant is considered likely benign or benign based on one or more of the following criteria: it is a conservative change, it occurs at a poorly conserved position in the protein, it is predicted to be benign by multiple in silico algorithms, and/or has population frequency not consistent with disease.

NM_172107.4(KCNQ2):c.607C>T (p.Leu203=)

Gene: KCNQ2 (potassium voltage-gated channel subfamily Q member 2; minus strand). Cytogenetic location: 20q13.33.
Variant type: single nucleotide variant.
Coding change: c.607C>T on transcript NM_172107.4 (MANE Select); coding-DNA position 607, C replaced by T.
Protein change: p.Leu203=; no amino-acid change (leucine 203 retained).
Molecular consequence: synonymous variant.
Genome position (GRCh38, 1-based): chr20:63,444,742, G>A on the plus strand (C>T on the coding strand, the complement: KCNQ2 is on the minus strand). VCF-style: chr20-63444742-G-A. GRCh37 (hg19) VCF-style: chr20-62076095-G-A.
Other names: c.607C>T, p.Leu203= (NM_004518.6, NM_172106.3, NM_172108.5 and 1 more transcripts).
Identifiers: ClinVar variation 385716 (VCV000385716.10), dbSNP rs1057522309, ClinGen allele CA16609052.
Genomic context (GRCh38, chr20:63,444,742, plus strand): 5'-AGCCCAGCAGCTTCCAGGTGCCTCCCCGCCGGTCCATGCGGATCATCCGCAGAATCTGCA[G>A]GAAGCGCAGGCTCCGGAGCGCAGATGTGGCAAAGACGTTGCCCTGGGAGCCGGCGGCCAG-3'
Protein context (NP_742105.1, residues 193-213): ATSALRSLRF[Leu203=]QILRMIRMDR